The following is an entry in ClinVar:

ClinVar aggregate classification (germline): Uncertain significance (1 of 4 stars; one submission).

Conditions:
Camptomelic dysplasia (CMPD). Also called: Campomelic Dysplasia; CMPD1/SRA1. Identifiers: Orphanet 140, MedGen C1861922, MONDO:0007251, OMIM 114290.

Submission:

Labcorp Genetics (formerly Invitae), Labcorp
Classification: Uncertain significance for Camptomelic dysplasia. Last evaluated: 2023-12-13. Review status: criteria provided, single submitter. Criteria: Invitae Variant Classification Sherloc (09022015). Collection method: clinical testing. Allele origin: germline.
Comment: This sequence change replaces leucine, which is neutral and non-polar, with histidine, which is basic and polar, at codon 145 of the SOX9 protein (p.Leu145His). This variant is present in population databases (no rsID available, gnomAD 0.0009%). This variant has not been reported in the literature in individuals affected with SOX9-related conditions. An algorithm developed to predict the effect of missense changes on protein structure and function (PolyPhen-2) suggests that this variant is likely to be disruptive. In summary, the available evidence is currently insufficient to determine the role of this variant in disease. Therefore, it has been classified as a Variant of Uncertain Significance.

NM_000346.4(SOX9):c.434T>A (p.Leu145His)

Gene: SOX9 (SRY-box transcription factor 9; plus strand). Cytogenetic location: 17q24.3.
Variant type: single nucleotide variant.
Coding change: c.434T>A on transcript NM_000346.4 (MANE Select); coding-DNA position 434, T replaced by A.
Protein change: p.Leu145His; replaces leucine 145 with histidine.
Molecular consequence: missense variant.
Genome position (GRCh38, 1-based): chr17:72,122,721, T>A. VCF-style: chr17-72122721-T-A. GRCh37 (hg19) VCF-style: chr17-70118862-T-A.
Other names: short protein forms L145H.
Identifiers: ClinVar variation 2791467 (VCV002791467.3), dbSNP rs1331779898, ClinGen allele CA400866285.